The following is an entry in ClinVar:

ClinVar aggregate classification (germline): Benign/Likely benign. Review status: criteria provided, multiple submitters, no conflicts (2 of 4 stars). 7 submissions from 7 submitters: Benign (1); Likely benign (4). 2 of the submissions do not count toward it. Last evaluated 2026-01-26.

Conditions:
Hereditary cancer-predisposing syndrome. Also called: Neoplastic Syndromes, Hereditary; Tumor predisposition; Hereditary Cancer Syndrome; Hereditary neoplastic syndrome. Identifiers: Orphanet 140162, MedGen C0027672, MeSH D009386, MONDO:0015356.
Familial adenomatous polyposis 1 (FAP1). Also called: FAMILIAL ADENOMATOUS POLYPOSIS 1, ATTENUATED; POLYPOSIS, ADENOMATOUS INTESTINAL. Identifiers: MedGen C2713442, MONDO:0021056, OMIM 175100. Disease mechanism: loss of function.

Allele frequency attached by ClinVar (database versions not stated): gnomAD exomes below 0.00001.
gnomAD v4.1: 3 of 1,614,120 alleles (0.00019%); highest among the groups gnomAD compares: Non-Finnish European, 0.00017%; no homozygotes.

Submissions (7):

Labcorp Genetics (formerly Invitae), Labcorp
Classification: Likely benign for Familial adenomatous polyposis 1. Last evaluated: 2026-01-26. Review status: criteria provided, single submitter. Criteria: Invitae Variant Classification Sherloc (09022015). Collection method: clinical testing. Allele origin: germline.

Color Diagnostics, LLC DBA Color Health
Classification: Likely benign for Hereditary cancer-predisposing syndrome. Last evaluated: 2025-07-20. Review status: criteria provided, single submitter. Criteria: ACMG Guidelines, 2015. Collection method: clinical testing. Allele origin: germline.

Myriad Genetics, Inc.
Classification: Benign for Familial adenomatous polyposis 1. Last evaluated: 2024-03-27. Review status: criteria provided, single submitter. Criteria: Myriad Autosomal Dominant, Autosomal Recessive and X-Linked Classification Criteria (2023). Collection method: clinical testing. Allele origin: unknown.
Comment: This variant is considered benign. This variant is a silent/synonymous amino acid change and it is not expected to impact splicing.

Women's Health and Genetics/Laboratory Corporation of America, LabCorp
Classification: Likely benign. Last evaluated: 2020-12-03. Review status: criteria provided, single submitter. Criteria: LabCorp Variant Classification Summary - May 2015. Collection method: clinical testing. Allele origin: germline.

Ambry Genetics
Classification: Likely benign for Hereditary cancer-predisposing syndrome. Last evaluated: 2017-09-18. Review status: criteria provided, single submitter. Criteria: Ambry Variant Classification Scheme 2023. Collection method: clinical testing. Allele origin: germline.

Clinical Genetics, Academic Medical Center
Classification: Likely benign. Review status: no assertion criteria provided. Collection method: clinical testing. Allele origin: germline. Affected: yes. Study: VKGL Data-share Consensus. Not counted in ClinVar's aggregate classification.

Genome Diagnostics Laboratory, Amsterdam University Medical Center
Classification: Likely benign. Review status: no assertion criteria provided. Collection method: clinical testing. Allele origin: germline. Affected: yes. Study: VKGL Data-share Consensus. Not counted in ClinVar's aggregate classification.

NM_000038.6(APC):c.4704T>C (p.Asp1568=)

Gene: APC (APC regulator of Wnt signaling pathway; plus strand). Cytogenetic location: 5q22.2.
Variant type: single nucleotide variant.
Coding change: c.4704T>C on transcript NM_000038.6 (MANE Select); coding-DNA position 4704, T replaced by C.
Protein change: p.Asp1568=; no amino-acid change (aspartic acid 1568 retained).
Molecular consequence: synonymous variant.
Genome position (GRCh38, 1-based): chr5:112,840,298, T>C. VCF-style: chr5-112840298-T-C. GRCh37 (hg19) VCF-style: chr5-112175995-T-C.
Other names: c.4704T>C, p.Asp1568= (NM_001127510.3, NM_001354895.2); c.4650T>C, p.Asp1550= (NM_001127511.3); c.4758T>C, p.Asp1586= (NM_001354896.2); c.4734T>C, p.Asp1578= (NM_001354897.2); c.4629T>C, p.Asp1543= (NM_001354898.2); c.4620T>C, p.Asp1540= (NM_001354899.2); c.4581T>C, p.Asp1527= (NM_001354900.2); c.4527T>C, p.Asp1509= (NM_001354901.2); and 5 more.
Identifiers: ClinVar variation 482367 (VCV000482367.19), dbSNP rs1554086117, ClinGen allele CA446206682.